The following is an entry in ClinVar:

NM_000352.6(ABCC8):c.2305G>A (p.Val769Met)

Genes: ABCC8 (ATP binding cassette subfamily C member 8; minus strand), LOC110121471 (VISTA enhancer hs1977; plus strand). Cytogenetic location: 11p15.1.
Variant type: single nucleotide variant.
Coding change: c.2305G>A on transcript NM_000352.6 (MANE Select); coding-DNA position 2305, G replaced by A.
Protein change: p.Val769Met; replaces valine 769 with methionine.
Molecular consequence: missense variant. On other transcripts: non-coding transcript variant (1).
Genome position (GRCh38, 1-based): chr11:17,414,597, C>T on the plus strand (G>A on the coding strand, the complement: ABCC8 is on the minus strand). VCF-style: chr11-17414597-C-T. GRCh37 (hg19) VCF-style: chr11-17436144-C-T.
Other names: c.2305G>A (NM_000352.3, NM_000352.4); c.2308G>A, p.Val770Met (NM_001287174.3); c.2371G>A, p.Val791Met (NM_001351295.2); c.2305G>A, p.Val769Met (NM_001351296.2); c.2302G>A, p.Val768Met (NM_001351297.2); short protein forms V769M, V770M, V791M, V768M.
Identifiers: ClinVar variation 2163111 (VCV002163111.5), dbSNP rs767419912, ClinGen allele CA5903186.

ClinVar aggregate classification (germline): Uncertain significance. Review status: criteria provided, multiple submitters, no conflicts (2 of 4 stars). 4 submissions from 4 submitters: Uncertain significance (3). 1 of the submissions does not count toward it. Last evaluated 2024-01-01.

Conditions:
Type 2 diabetes mellitus. Also called: Type II diabetes mellitus. Identifiers: MedGen C0011860, MeSH D003924, MONDO:0005148, OMIM 125853, HP:0005978.
Leucine-induced hypoglycemia (LIH). Also called: LEUCINE-SENSITIVE HYPOGLYCEMIA OF INFANCY. Identifiers: MedGen C0271714, MONDO:0009415, OMIM 240800.
Diabetes mellitus, permanent neonatal 3. Also called: ABCC8-Related Permanent Neonatal Diabetes Mellitus. Identifiers: MedGen C5394303, MONDO:0030088, OMIM 618857.
Diabetes mellitus, transient neonatal, 2 (TNDM2). Identifiers: Orphanet 99886, MedGen C1835887, MONDO:0012480, OMIM 610374. Disease mechanism: loss of function.
Hyperinsulinemic hypoglycemia, familial, 1 (HHF1). Also called: Persistent hyperinsulinemic hypoglycemia of infancy; HYPERINSULINISM, FAMILIAL, WITH PANCREATIC NESIDIOBLASTOSIS; HYPOGLYCEMIA, HYPERINSULINEMIC, OF INFANCY; NESIDIOBLASTOSIS OF PANCREAS; Persistent Hyperinsulinemia Hypoglycemia of Infancy. Identifiers: Orphanet 276575, Orphanet 276598, MedGen C2931832, MONDO:0009734, OMIM 256450.
ABCC8-related disorder.

Allele frequency attached by ClinVar (database versions not stated): gnomAD exomes 0.00001; ExAC 0.00002.
gnomAD v4.1: 8 of 1,614,212 alleles (0.0005%); highest among the groups gnomAD compares: East Asian, 0.0022%; no homozygotes.

Submissions (4):

Fulgent Genetics
Classification: Uncertain significance for Type 2 diabetes mellitus; Leucine-induced hypoglycemia; Hyperinsulinemic hypoglycemia, familial, 1; Diabetes mellitus, transient neonatal, 2; Diabetes mellitus, permanent neonatal 3. Last evaluated: 2024-01-01. Review status: criteria provided, single submitter. Criteria: ACMG Guidelines, 2015. Collection method: clinical testing. Allele origin: germline.

GeneDx
Classification: Uncertain significance. Last evaluated: 2023-02-08. Review status: criteria provided, single submitter. Criteria: GeneDx Variant Classification Process June 2021. Collection method: clinical testing. Allele origin: germline. Affected: yes.
Comment: Identified with a second ABCC8 variant in an individual with hyperinsulinism in published literature (De Franco et al., 2020); however, no patient clinical information was provided; In silico analysis supports that this missense variant does not alter protein structure/function; This variant is associated with the following publications: (PMID: 32027066, 32041611)

Labcorp Genetics (formerly Invitae), Labcorp
Classification: Uncertain significance. Last evaluated: 2022-09-23. Review status: criteria provided, single submitter. Criteria: Invitae Variant Classification Sherloc (09022015). Collection method: clinical testing. Allele origin: germline.
Comment: This sequence change replaces valine, which is neutral and non-polar, with methionine, which is neutral and non-polar, at codon 769 of the ABCC8 protein (p.Val769Met). This variant is present in population databases (rs767419912, gnomAD 0.02%). This missense change has been observed in individual(s) with ABCC8-related conditions (PMID: 32027066). This variant is also known as c.2308G>A (p.Val770Met). Advanced modeling of protein sequence and biophysical properties (such as structural, functional, and spatial information, amino acid conservation, physicochemical variation, residue mobility, and thermodynamic stability) performed at Invitae indicates that this missense variant is expected to disrupt ABCC8 protein function. In summary, the available evidence is currently insufficient to determine the role of this variant in disease. Therefore, it has been classified as a Variant of Uncertain Significance.

PreventionGenetics, part of Exact Sciences
Classification: Uncertain significance for ABCC8-related condition. Last evaluated: 2023-12-21. Review status: no assertion criteria provided. Collection method: clinical testing. Allele origin: germline. Not counted in ClinVar's aggregate classification.
Comment: The ABCC8 c.2305G>A variant is predicted to result in the amino acid substitution p.Val769Met. This variant has been reported along with a second ABCC8 variant in an individual with diabetes (referred to as p.Val770Met, De Franco E et al 2020. PubMed ID: 32027066). This variant is reported in 0.016% of alleles in individuals of East Asian descent in gnomAD. At this time, the clinical significance of this variant is uncertain due to the absence of conclusive functional and genetic evidence.

Literature cited by the submitters: PubMed 32027066 (cited by Labcorp Genetics (formerly Invitae), Labcorp).